The following is an entry in ClinVar:

NM_001606.5(ABCA2):c.6129G>A (p.Arg2043=)

Genes: ABCA2 (ATP binding cassette subfamily A member 2; minus strand), LOC126860796 (CDK7 strongly-dependent group 2 enhancer GRCh37_chr9:139904888-139906087; plus strand). Cytogenetic location: 9q34.3.
Variant type: single nucleotide variant.
Coding change: c.6129G>A on transcript NM_001606.5 (MANE Select); coding-DNA position 6129, G replaced by A.
Protein change: p.Arg2043=; no amino-acid change (arginine 2043 retained).
Molecular consequence: synonymous variant.
Genome position (GRCh38, 1-based): chr9:137,010,665, C>T on the plus strand (G>A on the coding strand, the complement: ABCA2 is on the minus strand). VCF-style: chr9-137010665-C-T. GRCh37 (hg19) VCF-style: chr9-139905117-C-T.
Other names: c.6126G>A, p.Arg2042= (NM_001411042.1); c.6219G>A, p.Arg2073= (NM_212533.3).
Identifiers: ClinVar variation 4822013 (VCV004822013.5).

ClinVar aggregate classification (germline): Likely benign. Review status: criteria provided, multiple submitters, no conflicts (2 of 4 stars). 2 submissions from 2 submitters: Likely benign (2). Last evaluated 2026-03-01.

gnomAD v4.1: 263 of 1,612,412 alleles (0.016%); highest among the groups gnomAD compares: African/African-American, 0.33%; 2 homozygotes.

Submissions (2):

CeGaT Center for Human Genetics Tuebingen
Classification: Likely benign. Last evaluated: 2026-03-01. Review status: criteria provided, single submitter. Criteria: CeGaT Center For Human Genetics Tuebingen Variant Classification Criteria Version 2. Collection method: clinical testing. Allele origin: germline. Affected: yes. Observed: 1 variant allele.
Comment: ABCA2: BP4, BP7

Blueprint Genetics
Classification: Likely benign. Last evaluated: 2024-08-28. Review status: criteria provided, single submitter. Criteria: ACMG Guidelines, 2015. Collection method: clinical testing. Allele origin: germline.